The following is an entry in ClinVar:

ClinVar aggregate classification (germline): Uncertain significance (0 of 4 stars; one submission).

Conditions:
KMT2D-related disorder. Also called: KMT2D-Related Disorders.

Submission:

PreventionGenetics, part of Exact Sciences
Classification: Uncertain significance for KMT2D-related condition. Last evaluated: 2024-07-16. Review status: no assertion criteria provided. Collection method: clinical testing. Allele origin: germline.
Comment: The KMT2D c.15485T>C variant is predicted to result in the amino acid substitution p.Val5162Ala. To our knowledge, this variant has not been reported in the literature or in a large population database, indicating this variant is rare. A different missense change impacting the same amino acid (c.15485T>G; p.Val5162Gly) has been reported de novo in an individual with developmental delay (Kaplanis et al. 2020. PubMed ID: 33057194). At this time, the clinical significance of this variant is uncertain due to the absence of conclusive functional and genetic evidence.

NM_003482.4(KMT2D):c.15485T>C (p.Val5162Ala)

Gene: KMT2D (lysine methyltransferase 2D; minus strand). Cytogenetic location: 12q13.12.
Variant type: single nucleotide variant.
Coding change: c.15485T>C on transcript NM_003482.4 (MANE Select); coding-DNA position 15485, T replaced by C.
Protein change: p.Val5162Ala; replaces valine 5162 with alanine.
Molecular consequence: missense variant.
Genome position (GRCh38, 1-based): chr12:49,026,481, A>G on the plus strand (T>C on the coding strand, the complement: KMT2D is on the minus strand). VCF-style: chr12-49026481-A-G. GRCh37 (hg19) VCF-style: chr12-49420264-A-G.
Other names: short protein forms V5162A.
Identifiers: ClinVar variation 3346177 (VCV003346177.1).